The following is an entry in ClinVar:

NM_198407.2(GHSR):c.925T>A (p.Phe309Ile)

Gene: GHSR (growth hormone secretagogue receptor; minus strand). Cytogenetic location: 3q26.31.
Variant type: single nucleotide variant.
Coding change: c.925T>A on transcript NM_198407.2 (MANE Select); coding-DNA position 925, T replaced by A.
Protein change: p.Phe309Ile; replaces phenylalanine 309 with isoleucine.
Molecular consequence: missense variant.
Genome position (GRCh38, 1-based): chr3:172,445,337, A>T on the plus strand (T>A on the coding strand, the complement: GHSR is on the minus strand). VCF-style: chr3-172445337-A-T. GRCh37 (hg19) VCF-style: chr3-172163127-A-T.
Other names: short protein forms F309I.
Identifiers: ClinVar variation 3383212 (VCV003383212.1).

ClinVar aggregate classification (germline): Uncertain significance (0 of 4 stars; one submission).

Conditions:
Pseudohypoparathyroidism type 1B (PHP1B). Also called: PHP IB; Pseudohypoparathyroidism Type IB; Pseudohypoparathyroidism Ib (PHP-Ib). Identifiers: Orphanet 94089, MedGen C1864100, MONDO:0011301, OMIM 603233.

Submission:

Department of Neurology, The First Affiliated Hospital of Guangdong Pharmaceutical University
Classification: Uncertain significance for Pseudohypoparathyroidism type 1B. Review status: no assertion criteria provided. Collection method: clinical testing. Allele origin: germline. Affected: yes.
Comment: It identifies a c.925T>A (p.Phe309Ile) missense mutation in the exon region of the GHSR gene. This particular mutation has not been cataloged in the Human Gene Mutation Database (HGMD) or the Genome Aggregation Database (gnomAD). At present, it is classified as a variant of unknown clinical significance due to the limited evidence.

Literature cited by the submitters: PubMed 17595244.